The following is an entry in ClinVar:

NM_015272.5(RPGRIP1L):c.2874+4A>G

Gene: RPGRIP1L (RPGRIP1 like; minus strand). Cytogenetic location: 16q12.2.
Variant type: single nucleotide variant.
Coding change: c.2874+4A>G on transcript NM_015272.5 (MANE Select); 4 bases into the intron after coding-DNA position 2874, A replaced by G.
Molecular consequence: intron variant.
Genome position (GRCh38, 1-based): chr16:53,641,281, T>C on the plus strand (A>G on the coding strand, the complement: RPGRIP1L is on the minus strand). VCF-style: chr16-53641281-T-C. GRCh37 (hg19) VCF-style: chr16-53675193-T-C.
Other names: c.2874+4A>G (NM_001127897.4, NM_001330538.2, NM_001308334.3).
Identifiers: ClinVar variation 1986689 (VCV001986689.1), dbSNP rs2544044679, ClinGen allele CA2580091614.

ClinVar aggregate classification (germline): Uncertain significance (1 of 4 stars; one submission).

Conditions:
Joubert syndrome. Also called: CEREBELLOPARENCHYMAL DISORDER IV; JOUBERT-BOLTSHAUSER SYNDROME; Familial aplasia of the vermis. Identifiers: Orphanet 475, MedGen C5979921, MONDO:0018772.
Meckel-Gruber syndrome. Also called: DYSENCEPHALIA SPLANCHNOCYSTICA; GRUBER SYNDROME; Dysencephalia splachnocystica. Identifiers: Orphanet 564, MedGen C0265215, MONDO:0018921.

Allele frequency attached by ClinVar (database versions not stated): gnomAD exomes below 0.00001.
gnomAD v4.1: 2 of 1,613,264 alleles (0.00012%); highest among the groups gnomAD compares: Non-Finnish European, 0.00017%; no homozygotes.

Submission:

Labcorp Genetics (formerly Invitae), Labcorp
Classification: Uncertain significance for Joubert syndrome; Meckel-Gruber syndrome. Last evaluated: 2021-12-19. Review status: criteria provided, single submitter. Criteria: Invitae Variant Classification Sherloc (09022015). Collection method: clinical testing. Allele origin: germline.
Comment: This sequence change falls in intron 18 of the RPGRIP1L gene. It does not directly change the encoded amino acid sequence of the RPGRIP1L protein. It affects a nucleotide within the consensus splice site. This variant is not present in population databases (gnomAD no frequency). This variant has not been reported in the literature in individuals affected with RPGRIP1L-related conditions. Variants that disrupt the consensus splice site are a relatively common cause of aberrant splicing (PMID: 17576681, 9536098). Algorithms developed to predict the effect of sequence changes on RNA splicing suggest that this variant may disrupt the consensus splice site. In summary, the available evidence is currently insufficient to determine the role of this variant in disease. Therefore, it has been classified as a Variant of Uncertain Significance.

Literature cited by the submitters: PubMed 17576681; PubMed 9536098.